The following is an entry in ClinVar:

NM_024408.4(NOTCH2):c.1573A>G (p.Thr525Ala)

Gene: NOTCH2 (notch receptor 2; minus strand). Cytogenetic location: 1p12.
Variant type: single nucleotide variant.
Coding change: c.1573A>G on transcript NM_024408.4 (MANE Select); coding-DNA position 1573, A replaced by G.
Protein change: p.Thr525Ala; replaces threonine 525 with alanine.
Molecular consequence: missense variant.
Genome position (GRCh38, 1-based): chr1:119,965,561, T>C on the plus strand (A>G on the coding strand, the complement: NOTCH2 is on the minus strand). VCF-style: chr1-119965561-T-C. GRCh37 (hg19) VCF-style: chr1-120508184-T-C.
Other names: c.1573A>G, p.Thr525Ala (NM_001200001.2); short protein forms T525A.
Identifiers: ClinVar variation 3688509 (VCV003688509.2).

ClinVar aggregate classification (germline): Uncertain significance (1 of 4 stars; one submission).

Conditions:
Hajdu-Cheney syndrome (HJCYS). Also called: Acroosteolysis dominant type; ACROOSTEOLYSIS WITH OSTEOPOROSIS AND CHANGES IN SKULL AND MANDIBLE; SERPENTINE FIBULA-POLYCYSTIC KIDNEY SYNDROME. Identifiers: Orphanet 955, MedGen C0917715, MONDO:0007057, OMIM 102500.

gnomAD v4.1: 2 of 1,610,514 alleles (0.00012%); highest among the groups gnomAD compares: Non-Finnish European, 0.000085%; no homozygotes.

Submission:

Labcorp Genetics (formerly Invitae), Labcorp
Classification: Uncertain significance for Hajdu-Cheney syndrome. Last evaluated: 2024-07-03. Review status: criteria provided, single submitter. Criteria: Invitae Variant Classification Sherloc (09022015). Collection method: clinical testing. Allele origin: germline.
Comment: This sequence change replaces threonine, which is neutral and polar, with alanine, which is neutral and non-polar, at codon 525 of the NOTCH2 protein (p.Thr525Ala). This variant is not present in population databases (gnomAD no frequency). This variant has not been reported in the literature in individuals affected with NOTCH2-related conditions. Advanced modeling of protein sequence and biophysical properties (such as structural, functional, and spatial information, amino acid conservation, physicochemical variation, residue mobility, and thermodynamic stability) performed at Invitae indicates that this missense variant is not expected to disrupt NOTCH2 protein function with a negative predictive value of 95%. In summary, the available evidence is currently insufficient to determine the role of this variant in disease. Therefore, it has been classified as a Variant of Uncertain Significance.